The following is an entry in ClinVar:

ClinVar aggregate classification (germline): Likely pathogenic (1 of 4 stars; one submission).

Conditions:
Wilson disease (WND). Also called: Wilson's disease. Identifiers: Orphanet 905, MedGen C0019202, MONDO:0010200, OMIM 277900. Disease mechanism: loss of function.

Submission:

Myriad Genetics, Inc.
Classification: Likely pathogenic for Wilson disease. Last evaluated: 2019-06-28. Review status: criteria provided, single submitter. Criteria: Myriad Women's Health Autosomal Recessive and X-Linked Classification Criteria (2019). Collection method: clinical testing. Allele origin: unknown.
Comment: NM_000053.3(ATP7B):c.3523A>T(K1175*) is expected to be pathogenic in the context of Wilson disease. This variant is predicted to lead to an abnormal or absent protein product due to the creation of a premature termination codon in ATP7B, a gene where loss-of-function variants are known to be pathogenic. Please note: this variant was assessed in the context of healthy population screening.

NM_000053.4(ATP7B):c.3523A>T (p.Lys1175Ter)

Gene: ATP7B (ATPase copper transporting beta; minus strand). Cytogenetic location: 13q14.3.
Variant type: single nucleotide variant.
Coding change: c.3523A>T on transcript NM_000053.4 (MANE Select); coding-DNA position 3523, A replaced by T.
Protein change: p.Lys1175Ter; replaces lysine 1175 with a stop codon.
Molecular consequence: nonsense.
Genome position (GRCh38, 1-based): chr13:51,941,114, T>A on the plus strand (A>T on the coding strand, the complement: ATP7B is on the minus strand). VCF-style: chr13-51941114-T-A. GRCh37 (hg19) VCF-style: chr13-52515250-T-A.
Other names: c.2902A>T, p.Lys968Ter (NM_001005918.3); c.3190A>T, p.Lys1064Ter (NM_001243182.2); c.3289A>T, p.Lys1097Ter (NM_001330578.2); c.3271A>T, p.Lys1091Ter (NM_001330579.2); short protein forms K1064*, K1091*, K1097*, K1175*, K968*.
Identifiers: ClinVar variation 984307 (VCV000984307.3), dbSNP rs995516204, ClinGen allele CA388026103.
Genomic context (GRCh38, chr13:51,941,114, plus strand): 5'-CGGAAGGAAGGCAGAAGCAGAAGATACCGTCAATAGCCACCAGGATGGCTGTCTGTCCTT[T>A]CATCTCGTGGTCTGTCATAGCGTCACTGACATCGCTAGAAATGGTTAAACCGTTGCGCCT-3'